The following is an entry in ClinVar:

NM_006031.6(PCNT):c.550A>G (p.Met184Val)

Gene: PCNT (pericentrin; plus strand). Cytogenetic location: 21q22.3.
Variant type: single nucleotide variant.
Coding change: c.550A>G on transcript NM_006031.6 (MANE Select); coding-DNA position 550, A replaced by G.
Protein change: p.Met184Val; replaces methionine 184 with valine.
Molecular consequence: missense variant.
Genome position (GRCh38, 1-based): chr21:46,334,679, A>G. VCF-style: chr21-46334679-A-G. GRCh37 (hg19) VCF-style: chr21-47754593-A-G.
Other names: c.196A>G, p.Met66Val (NM_001315529.2); short protein forms M66V, M184V.
Identifiers: ClinVar variation 1939369 (VCV001939369.4), dbSNP rs1305795308, ClinGen allele CA410561032.
Genomic context (GRCh38, chr21:46,334,679, plus strand): 5'-CACCCACCAGAACAGCGTGGGATGTTCACAATCAGTGACCACCAACCGGAACAGCGTGGG[A>G]TGTTCACAGTCAGTGACCACACACCAGAACAGCGTGGGATCTTCACAATCAGTGACCACC-3'
Protein context (NP_006022.3, residues 174-194): ISDHQPEQRG[Met184Val]FTVSDHTPEQ

ClinVar aggregate classification (germline): Uncertain significance (1 of 4 stars; one submission).

Allele frequency attached by ClinVar (database versions not stated): gnomAD exomes below 0.00001; TOPMed 0.00001; gnomAD 0.00003.

Submission:

Labcorp Genetics (formerly Invitae), Labcorp
Classification: Uncertain significance. Last evaluated: 2025-01-27. Review status: criteria provided, single submitter. Criteria: Invitae Variant Classification Sherloc (09022015). Collection method: clinical testing. Allele origin: germline.
Comment: This sequence change replaces methionine, which is neutral and non-polar, with valine, which is neutral and non-polar, at codon 184 of the PCNT protein (p.Met184Val). This variant is present in population databases (no rsID available, gnomAD 0.01%). This variant has not been reported in the literature in individuals affected with PCNT-related conditions. ClinVar contains an entry for this variant (Variation ID: 1939369). An algorithm developed to predict the effect of missense changes on protein structure and function outputs the following: PolyPhen-2: "Benign". The valine amino acid residue is found in multiple mammalian species, which suggests that this missense change does not adversely affect protein function. In summary, the available evidence is currently insufficient to determine the role of this variant in disease. Therefore, it has been classified as a Variant of Uncertain Significance.